The following is an entry in ClinVar:

NM_182961.4(SYNE1):c.5421+2T>G

Gene: SYNE1 (spectrin repeat containing nuclear envelope protein 1; minus strand). Cytogenetic location: 6q25.2.
Variant type: single nucleotide variant.
Coding change: c.5421+2T>G on transcript NM_182961.4 (MANE Select); the canonical splice donor site of the intron after coding-DNA position 5421, T replaced by G.
Molecular consequence: splice donor variant.
Genome position (GRCh38, 1-based): chr6:152,419,567, A>C on the plus strand (T>G on the coding strand, the complement: SYNE1 is on the minus strand). VCF-style: chr6-152419567-A-C. GRCh37 (hg19) VCF-style: chr6-152740702-A-C.
Other names: c.5442+2T>G (NM_033071.5).
Identifiers: ClinVar variation 5019573 (VCV005019573.2).

ClinVar aggregate classification (germline): Likely pathogenic (1 of 4 stars; one submission).

Conditions:
Autosomal recessive ataxia, Beauce type. Also called: Spinocerebellar ataxia, autosomal recessive 8; SYNE1 Deficiency; ATAXIA, RECESSIVE, OF BEAUCE; SYNE1-Related Autosomal Recessive Cerebellar Ataxia. Identifiers: Orphanet 88644, MedGen C1853116, MONDO:0012549, OMIM 610743.

Submission:

Juno Genomics, Hangzhou Juno Genomics, Inc
Classification: Likely pathogenic for Autosomal recessive ataxia, Beauce type. Review status: criteria provided, single submitter. Criteria: ACMG Guidelines, 2015. Collection method: clinical testing. Allele origin: germline.
Comment: Absent from controls (or at extremely low frequency if recessive) in Genome Aggregation Database.;Null variant in a gene where loss of function (LOF) is a known mechanism of disease.